The following is an entry in ClinVar:

NM_015047.3(EMC1):c.2588-771C>G

Genes: EMC1 (ER membrane protein complex subunit 1; minus strand), EMC1-AS1 (EMC1 antisense RNA 1; plus strand). Cytogenetic location: 1p36.13.
Variant type: single nucleotide variant.
Coding change: c.2588-771C>G on transcript NM_015047.3 (MANE Select); 771 bases into the intron before coding-DNA position 2588, C replaced by G.
Molecular consequence: intron variant.
Genome position (GRCh38, 1-based): chr1:19,221,619, G>C on the plus strand (C>G on the coding strand, the complement: EMC1 is on the minus strand). VCF-style: chr1-19221619-G-C. GRCh37 (hg19) VCF-style: chr1-19548113-G-C.
Other names: NM_001375821.1:c.2594-771C>G; c.2522-771C>G (NM_001271429.2); c.2585-771C>G (NM_001271427.2, NM_001271428.2); c.2594-771C>G (NM_001375821.1); c.2597-771C>G (NM_001375820.1).
Identifiers: ClinVar variation 2500965 (VCV002500965.1), dbSNP rs1448410617, ClinGen allele CA521512294.
Genomic context (GRCh38, chr1:19,221,619, plus strand): 5'-CAGGGAGGCTGAAGTTGCAGTGAGCTGAGATCGCACCACTGCACTCCAGCCTGGGTGACA[G>C]AGCAAGACTCTGTCTCAAAAAAAAAAAAAAAAAAGCAACAGCAATGCCAAGTGCCCATCA-3'

ClinVar aggregate classification (germline): Uncertain significance (1 of 4 stars; one submission).

Conditions:
Cerebellar atrophy, visual impairment, and psychomotor retardation;. Also called: Cerebellar atrophy, visual impairment, and psychomotor retardation. Identifiers: MedGen C4225172, MONDO:0014811, OMIM 616875.

Allele frequency attached by ClinVar (database versions not stated): gnomAD 0.00001.
gnomAD v4.1: 1 of 142,422 alleles (0.0007%); highest among the groups gnomAD compares: Non-Finnish European, 0.0015%; no homozygotes.

Submission:

Broad Center for Mendelian Genomics, Broad Institute of MIT and Harvard
Classification: Uncertain significance for Cerebellar atrophy, visual impairment, and psychomotor retardation;. Last evaluated: 2023-05-02. Review status: criteria provided, single submitter. Criteria: ACMG Guidelines, 2015. Collection method: curation. Allele origin: germline. Inheritance: Autosomal recessive inheritance.
Comment: Trio genome analysis revealed that this variant was in trans with a likely pathogenic variant (ClinVar Variation ID: 445564), which increases the likelihood that the c.2588-771C>G variant is pathogenic. The c.2588-771C>G variant in EMC1 has not been previously reported in individuals with cerebellar atrophy, visual impairment, and psychomotor retardation, but has been identified in 0.0015% (1/66292) of European (non-Finnish) chromosomes by the Genome Aggregation Database (gnomAD; dbSNP ID: rs1448410617). Although this variant has been seen in the general population in a heterozygous state, its frequency is low enough to be consistent with a recessive carrier frequency. RT-PCR analysis performed on affected tissue shows some evidence of activation of a pseudo-exon. This variant is located in the 3‚Äô splice region. Computational tools do suggest an impact to splicing. However, this information is not predictive enough to determine pathogenicity. In summary, while there is some suspicion for a pathogenic role, the clinical significance of this variant is uncertain. ACMG/AMP Criteria applied: PS3_Moderate, PM2_Supporting, PM3 (Richards 2015).